The following is an entry in ClinVar:

NM_002225.5(IVD):c.436A>G (p.Lys146Glu)

Gene: IVD (isovaleryl-CoA dehydrogenase; plus strand). Cytogenetic location: 15q15.1.
Variant type: single nucleotide variant.
Coding change: c.436A>G on transcript NM_002225.5 (MANE Select); coding-DNA position 436, A replaced by G.
Protein change: p.Lys146Glu; replaces lysine 146 with glutamic acid.
Molecular consequence: missense variant. On other transcripts: non-coding transcript variant (1).
Genome position (GRCh38, 1-based): chr15:40,410,777, A>G. VCF-style: chr15-40410777-A-G. GRCh37 (hg19) VCF-style: chr15-40702976-A-G.
Other names: c.346A>G, p.Lys116Glu (NM_001159508.3); c.388A>G, p.Lys130Glu (NM_001354597.3); c.436A>G, p.Lys146Glu (NM_001354598.3, NM_001354601.3); c.523A>G, p.Lys175Glu (NM_001354599.3, NM_001354600.3); short protein forms K130E, K146E, K116E, K175E.
Identifiers: ClinVar variation 553403 (VCV000553403.9), dbSNP rs1448656950, ClinGen allele CA391716744.

ClinVar aggregate classification (germline): Uncertain significance. Review status: criteria provided, multiple submitters, no conflicts (2 of 4 stars). 3 submissions from 3 submitters: Uncertain significance (2). 1 of the submissions does not count toward it. Last evaluated 2025-01-06.

Conditions:
Isovaleryl-CoA dehydrogenase deficiency (IVA). Also called: Classic Isovaleric Acidemia; ISOVALERIC ACID CoA DEHYDROGENASE DEFICIENCY; Isovaleric acidemia; IVD DEFICIENCY. Identifiers: Orphanet 33, MedGen C0268575, MONDO:0009475, OMIM 243500.

Allele frequency attached by ClinVar (database versions not stated): gnomAD 0.00001; gnomAD exomes 0.00001; TOPMed 0.00001.
gnomAD v4.1: 6 of 1,614,104 alleles (0.00037%); highest among the groups gnomAD compares: African/African-American, 0.0013%; no homozygotes.

Submissions (3):

Women's Health and Genetics/Laboratory Corporation of America, LabCorp
Classification: Uncertain significance. Last evaluated: 2025-01-06. Review status: criteria provided, single submitter. Criteria: LabCorp Variant Classification Summary - May 2015. Collection method: clinical testing. Allele origin: germline.
Comment: Variant summary: IVD c.436A>G (p.Lys146Glu) results in a conservative amino acid change located in the Isovaleryl-CoA dehydrogenase domain (IPR034183) of the encoded protein sequence. Four of five in-silico tools predict a damaging effect of the variant on protein function. The variant was absent in 251396 control chromosomes. The available data on variant occurrences in the general population are insufficient to allow any conclusion about variant significance. c.436A>G has been reported in the literature in the compound heterozygous state in at least one individual affected with Isovaleryl-CoA Dehydrogenase Deficiency (Ensenauer_2004). These data do not allow any conclusion about variant significance. To our knowledge, no experimental evidence demonstrating an impact on protein function has been reported. This variant is also known as Lys117Glu. The following publication have been ascertained in the context of this evaluation (PMID: 15486829). ClinVar contains an entry for this variant (Variation ID: 553403). Based on the evidence outlined above, the variant was classified as uncertain significance.

Labcorp Genetics (formerly Invitae), Labcorp
Classification: Uncertain significance for Isovaleryl-CoA dehydrogenase deficiency. Last evaluated: 2021-08-31. Review status: criteria provided, single submitter. Criteria: Invitae Variant Classification Sherloc (09022015). Collection method: clinical testing. Allele origin: germline.
Comment: This sequence change replaces lysine with glutamic acid at codon 149 of the IVD protein (p.Lys149Glu). The lysine residue is highly conserved and there is a small physicochemical difference between lysine and glutamic acid. This variant is not present in population databases (ExAC no frequency). This missense change has been observed in individual(s) with isovaleric acidemia (PMID: 15486829). ClinVar contains an entry for this variant (Variation ID: 553403). Algorithms developed to predict the effect of missense changes on protein structure and function are either unavailable or do not agree on the potential impact of this missense change (SIFT: "Deleterious"; PolyPhen-2: "Possibly Damaging"; Align-GVGD: "Class C15"). In summary, the available evidence is currently insufficient to determine the role of this variant in disease. Therefore, it has been classified as a Variant of Uncertain Significance.

Counsyl
Classification: Uncertain significance for Isovaleryl-CoA dehydrogenase deficiency. Last evaluated: 2017-08-18. Review status: no assertion criteria provided. Collection method: clinical testing. Allele origin: unknown. Not counted in ClinVar's aggregate classification.

Literature cited by the submitters: PubMed 15486829 (cited by 3 submitters).